The following is an entry in ClinVar:

ClinVar aggregate classification (germline): Likely benign (0 of 4 stars; one submission).

Conditions:
TNC-related disorder. Also called: TNC-related condition.

gnomAD v4.1: 598 of 1,613,932 alleles (0.037%); highest among the groups gnomAD compares: African/African-American, 0.16%; no homozygotes.

Submission:

PreventionGenetics, part of Exact Sciences
Classification: Likely benign for TNC-related condition. Last evaluated: 2024-06-25. Review status: no assertion criteria provided. Collection method: clinical testing. Allele origin: germline.
Comment: This variant is classified as likely benign based on ACMG/AMP sequence variant interpretation guidelines (Richards et al. 2015 PMID: 25741868, with internal and published modifications).

NM_002160.4(TNC):c.1715G>A (p.Arg572His)

Gene: TNC (tenascin C; minus strand). Cytogenetic location: 9q33.1.
Variant type: single nucleotide variant.
Coding change: c.1715G>A on transcript NM_002160.4 (MANE Select); coding-DNA position 1715, G replaced by A.
Protein change: p.Arg572His; replaces arginine 572 with histidine.
Molecular consequence: missense variant.
Genome position (GRCh38, 1-based): chr9:115,086,016, C>T on the plus strand (G>A on the coding strand, the complement: TNC is on the minus strand). VCF-style: chr9-115086016-C-T. GRCh37 (hg19) VCF-style: chr9-117848295-C-T.
Other names: c.1715G>A, p.Arg572His (NM_001410991.1); short protein forms R572H.
Identifiers: ClinVar variation 3351243 (VCV003351243.1).